The following is an entry in ClinVar:

NM_024598.4(USB1):c.517C>T (p.Leu173Phe)

Gene: USB1 (U6 snRNA biogenesis phosphodiesterase 1; plus strand). Cytogenetic location: 16q21.
Variant type: single nucleotide variant.
Coding change: c.517C>T on transcript NM_024598.4 (MANE Select); coding-DNA position 517, C replaced by T.
Protein change: p.Leu173Phe; replaces leucine 173 with phenylalanine.
Molecular consequence: missense variant.
Genome position (GRCh38, 1-based): chr16:58,017,347, C>T. VCF-style: chr16-58017347-C-T. GRCh37 (hg19) VCF-style: chr16-58051251-C-T.
Other names: c.463C>T, p.Leu155Phe (NM_001195302.2); c.364C>T, p.Leu122Phe (NM_001330568.2); short protein forms L155F, L173F, L122F.
Identifiers: ClinVar variation 4196796 (VCV004196796.1).

ClinVar aggregate classification (germline): Uncertain significance (1 of 4 stars; one submission).

Conditions:
Inborn genetic diseases. Identifiers: MedGen C0950123, MeSH D030342.

Submission:

Ambry Genetics
Classification: Uncertain significance for Inborn genetic diseases. Last evaluated: 2025-06-26. Review status: criteria provided, single submitter. Criteria: Ambry Variant Classification Scheme 2023. Collection method: clinical testing. Allele origin: germline.
Comment: The p.L173F variant (also known as c.517C>T), located in coding exon 5 of the USB1 gene, results from a C to T substitution at nucleotide position 517. The leucine at codon 173 is replaced by phenylalanine, an amino acid with highly similar properties. This amino acid position is conserved. In addition, this alteration is predicted to be tolerated by in silico analysis. Based on the available evidence, the clinical significance of this variant remains unclear.